The following is an entry in ClinVar:

ClinVar aggregate classification (germline): Likely benign (1 of 4 stars; one submission).

Conditions:
Pancreatic cancer, susceptibility to, 1. Identifiers: Orphanet 1333, MedGen C1847351, MONDO:0011739, OMIM 606856.

Allele frequency attached by ClinVar (database versions not stated): gnomAD exomes 0.00010 and 0.00028; ExAC 0.00012; TOPMed 0.00014; ESP Exome Variant Server 0.00015; gnomAD 0.00015 and 0.00016.
gnomAD v4.1: 414 of 1,613,978 alleles (0.026%); highest among the groups gnomAD compares: Non-Finnish European, 0.032%; no homozygotes.

Submission:

Illumina Laboratory Services, Illumina
Classification: Likely benign for Pancreatic cancer, susceptibility to, 1. Last evaluated: 2018-01-13. Review status: criteria provided, single submitter. Criteria: ICSL Variant Classification Criteria 13 December 2019. Collection method: clinical testing. Allele origin: germline.
Comment: This variant was observed in the ICSL laboratory as part of a predisposition screen in an ostensibly healthy population. It had not been previously curated by ICSL or reported in the Human Gene Mutation Database (HGMD: prior to June 1st, 2018), and was therefore a candidate for classification through an automated scoring system. Utilizing variant allele frequency, disease prevalence and penetrance estimates, and inheritance mode, an automated score was calculated to assess if this variant is too frequent to cause the disease. Based on the score and internal cut-off values, a variant classified as likely benign is not then subjected to further curation. The score for this variant resulted in a classification of likely benign for this disease.

NM_001166108.2(PALLD):c.1842T>A (p.His614Gln)

Gene: PALLD (palladin, cytoskeletal associated protein; plus strand). Cytogenetic location: 4q32.3.
Variant type: single nucleotide variant.
Coding change: c.1842T>A on transcript NM_001166108.2 (MANE Select); coding-DNA position 1842, T replaced by A.
Protein change: p.His614Gln; replaces histidine 614 with glutamine.
Molecular consequence: missense variant.
Genome position (GRCh38, 1-based): chr4:168,711,801, T>A. VCF-style: chr4-168711801-T-A. GRCh37 (hg19) VCF-style: chr4-169632952-T-A.
Other names: c.696T>A, p.His232Gln (NM_001166109.2); c.1842T>A, p.His614Gln (NM_016081.4); short protein forms H614Q, H232Q.
Identifiers: ClinVar variation 348041 (VCV000348041.5), dbSNP rs150443035, ClinGen allele CA3135734.